The following is an entry in ClinVar:

NM_003664.5(AP3B1):c.2527A>G (p.Met843Val)

Gene: AP3B1 (adaptor related protein complex 3 subunit beta 1; minus strand). Cytogenetic location: 5q14.1.
Variant type: single nucleotide variant.
Coding change: c.2527A>G on transcript NM_003664.5 (MANE Select); coding-DNA position 2527, A replaced by G.
Protein change: p.Met843Val; replaces methionine 843 with valine.
Molecular consequence: missense variant.
Genome position (GRCh38, 1-based): chr5:78,089,443, T>C on the plus strand (A>G on the coding strand, the complement: AP3B1 is on the minus strand). VCF-style: chr5-78089443-T-C. GRCh37 (hg19) VCF-style: chr5-77385267-T-C.
Other names: c.2380A>G, p.Met794Val (NM_001271769.2); c.2527A>G (NM_003664.3); short protein forms M843V, M794V.
Identifiers: ClinVar variation 656062 (VCV000656062.8), dbSNP rs201609994, ClinGen allele CA3316742.

ClinVar aggregate classification (germline): Conflicting classifications of pathogenicity. Review status: criteria provided, conflicting classifications (1 of 4 stars). 3 submissions from 3 submitters: Uncertain significance (2); Likely benign (1). Last evaluated 2025-01-21.

Conditions:
Inborn genetic diseases. Identifiers: MedGen C0950123, MeSH D030342.
Hermansky-Pudlak syndrome 2 (HPS2). Also called: Platelet defects and oculocutaneous albinism. Identifiers: Orphanet 183678, Orphanet 79430, MedGen C1842362, MONDO:0011997, OMIM 608233.

Allele frequency attached by ClinVar (database versions not stated): gnomAD exomes below 0.00001; TOPMed below 0.00001; ExAC 0.00001; gnomAD 0.00001 and 0.00003; 1000 Genomes Project 30x 0.00016; 1000 Genomes Project 0.00020.
gnomAD v4.1: 18 of 1,613,522 alleles (0.0011%); highest among the groups gnomAD compares: Middle Eastern, 0.017%; no homozygotes.

Submissions (3):

Ambry Genetics
Classification: Uncertain significance for Inborn genetic diseases. Last evaluated: 2025-01-21. Review status: criteria provided, single submitter. Criteria: Ambry Variant Classification Scheme 2023. Collection method: clinical testing. Allele origin: germline.

Blueprint Genetics
Classification: Likely benign. Last evaluated: 2022-11-30. Review status: criteria provided, single submitter. Criteria: ACMG Guidelines, 2015. Collection method: clinical testing. Allele origin: germline.

Labcorp Genetics (formerly Invitae), Labcorp
Classification: Uncertain significance for Hermansky-Pudlak syndrome 2. Last evaluated: 2022-10-25. Review status: criteria provided, single submitter. Criteria: Invitae Variant Classification Sherloc (09022015). Collection method: clinical testing. Allele origin: germline.
Comment: This sequence change replaces methionine, which is neutral and non-polar, with valine, which is neutral and non-polar, at codon 843 of the AP3B1 protein (p.Met843Val). This variant is present in population databases (rs201609994, gnomAD 0.007%). This variant has not been reported in the literature in individuals affected with AP3B1-related conditions. ClinVar contains an entry for this variant (Variation ID: 656062). Algorithms developed to predict the effect of missense changes on protein structure and function (SIFT, PolyPhen-2, Align-GVGD) all suggest that this variant is likely to be tolerated. In summary, the available evidence is currently insufficient to determine the role of this variant in disease. Therefore, it has been classified as a Variant of Uncertain Significance.